The following continues an entry in ClinVar:

NM_000257.4(MYH7):c.5494C>T (p.Arg1832Cys)

Gene: MYH7. ClinVar aggregate classification (germline): Uncertain significance. Uncertain significance (13).

Submissions 9 to 18 of 18:

New York Genome Center
Classification: Uncertain significance for Dilated cardiomyopathy 1S; Hypertrophic cardiomyopathy 1. Last evaluated: 2022-11-08. Review status: criteria provided, single submitter. Criteria: NYGC Assertion Criteria 2020. Collection method: clinical testing. Allele origin: germline. Observed: 1 heterozygote.
Comment: The c.5494C>T variant in MYH7 has previously been reported in one individual with idiopathic dilated cardiomyopathy [PMID: 19293840] and it has been deposited in ClinVar [ClinVar ID: 161322] as variant of uncertain significance by multiple submitters. The c.5494C>T variant is observed in 14 alleles (~0.002% minor allelefrequency with 0 homozygote) in population databases (gnomAD v2.1.1 and v3.1.2, TOPMed Freeze 8), suggesting it is not a common benign variant in the populations represented in those databases, which might include individuals with adult onset cardiac phenotypes. The c.5494C>T variant in MYH7 is located in exon 37 of this 40-exon gene, and is predicted to replace an evolutionarily conserved arginine amino acid with cysteine at position 1832 (p.(Arg1832Cys) in the C-terminalrod domain [PMID:35854315] of the encoded protein. In silico predictions provide supporting evidence for damaging effect for the p.(Arg1832Cys) variant [CADD v1.6= 27.4, REVEL = 0.767]; however, there are no functional studies to support or refute these predictions. Based on available evidence this c.5494C>Tp.(Arg1832Cys) variant identified in MYH7 is classified as a Variant of Uncertain Significance.

Revvity Omics, Revvity
Classification: Uncertain significance. Last evaluated: 2022-03-16. Review status: criteria provided, single submitter. Criteria: ACMG Guidelines, 2015. Collection method: clinical testing. Allele origin: germline.

Fulgent Genetics
Classification: Uncertain significance for MYH7-related skeletal myopathy; Myosin storage myopathy; Hypertrophic cardiomyopathy 1; Myopathy, myosin storage, autosomal recessive; Congenital myopathy 4A, autosomal dominant; Dilated cardiomyopathy 1S. Last evaluated: 2021-11-17. Review status: criteria provided, single submitter. Criteria: ACMG Guidelines, 2015. Collection method: clinical testing. Allele origin: unknown.

Biesecker Lab/Clinical Genomics Section, National Institutes of Health
Classification: Uncertain significance for Primary dilated cardiomyopathy. Last evaluated: 2018-04-05. Review status: criteria provided, single submitter. Criteria: ACMG Guidelines, 2015. Collection method: research. Allele origin: unknown. Affected: no. Observed: 1 variant allele.
Comment: The study set was not selected for affection status in relation to arrhythmia or cardiomyopathy. Pathogenicity categories were based on literature curation. See Pubmed ID:25741868 for details.

Medical sequencing

Center for Pediatric Genomic Medicine, Children's Mercy Hospital and Clinics
Classification: Uncertain significance. Last evaluated: 2017-08-22. Review status: criteria provided, single submitter. Criteria: ACMG Guidelines, 2015. Collection method: clinical testing. Allele origin: germline.

CSER _CC_NCGL, University of Washington
Classification: Uncertain significance for Cardiomyopathy, dilated. Last evaluated: 2014-06-01. Review status: no assertion criteria provided. Collection method: research. Allele origin: germline. Inheritance: Autosomal dominant inheritance. Study: ESP 6500 variant annotation. Not counted in ClinVar's aggregate classification.
Comment: Variants classified for the Actionable exomic incidental findings in 6503 participants: challenges of variant classification manuscript

Clinical Genetics DNA and cytogenetics Diagnostics Lab, Erasmus MC, Erasmus Medical Center
Classification: Uncertain significance. Review status: no assertion criteria provided. Collection method: clinical testing. Allele origin: germline. Affected: yes. Study: VKGL Data-share Consensus. Not counted in ClinVar's aggregate classification.

Clinical Genetics, Academic Medical Center
Classification: Uncertain significance. Review status: no assertion criteria provided. Collection method: clinical testing. Allele origin: germline. Affected: yes. Study: VKGL Data-share Consensus. Not counted in ClinVar's aggregate classification.

Genome Diagnostics Laboratory, University Medical Center Utrecht
Classification: Uncertain significance. Review status: no assertion criteria provided. Collection method: clinical testing. Allele origin: germline. Affected: yes. Study: VKGL Data-share Consensus. Not counted in ClinVar's aggregate classification.

Joint Genome Diagnostic Labs from Nijmegen and Maastricht, Radboudumc and MUMC+
Classification: Uncertain significance. Review status: no assertion criteria provided. Collection method: clinical testing. Allele origin: germline. Affected: yes. Study: VKGL Data-share Consensus. Not counted in ClinVar's aggregate classification.

Literature cited by the submitters: PubMed 19293840 (cited by 5 submitters); PubMed 21424860 (cited by Ambry Genetics); PubMed 21839045 (cited by 3 submitters); PubMed 22337857 (cited by Ambry Genetics); PubMed 23299917 (cited by Ambry Genetics); PubMed 23861362 (cited by Ambry Genetics); PubMed 25637381 (cited by Ambry Genetics).